The following is an entry in ClinVar:

NM_003489.4(NRIP1):c.3257_3261del (p.Asp1086fs)

Gene: NRIP1 (nuclear receptor interacting protein 1; minus strand). Cytogenetic location: 21q11.2.
Variant type: Microsatellite.
Coding change: c.3257_3261del on transcript NM_003489.4 (MANE Select); coding-DNA positions 3257 to 3261, 5 bases deleted (ACAAG; older notation c.3257_3261delACAAG).
Protein change: p.Asp1086fs; shifts the reading frame from aspartic acid 1086.
Molecular consequence: frameshift variant.
Genome position (GRCh38, 1-based): chr21:14,964,932-14,964,936, CTTGT deleted on the plus strand (ACAAG on the coding strand, the reverse complement: NRIP1 is on the minus strand); deleting any 5 consecutive bases within chr21:14,964,932-14,964,941 gives the same sequence; the c. name uses the placement nearest the transcript's 3' end. VCF-style (leftmost placement, unchanged base first): chr21-14964931-CCTTGT-C. GRCh37 (hg19) VCF-style: chr21-16337252-CCTTGT-C.
Other names: short protein forms D1086fs.
Identifiers: ClinVar variation 3709561 (VCV003709561.2).

ClinVar aggregate classification (germline): Uncertain significance (1 of 4 stars; one submission).

Submission:

Labcorp Genetics (formerly Invitae), Labcorp
Classification: Uncertain significance. Last evaluated: 2024-09-03. Review status: criteria provided, single submitter. Criteria: Invitae Variant Classification Sherloc (09022015). Collection method: clinical testing. Allele origin: germline.
Comment: This sequence change creates a premature translational stop signal (p.Asp1086Glyfs*10) in the NRIP1 gene. While this is not anticipated to result in nonsense mediated decay, it is expected to disrupt the last 73 amino acid(s) of the NRIP1 protein. This variant is present in population databases (no rsID available, gnomAD 0.005%). This variant has not been reported in the literature in individuals affected with NRIP1-related conditions. Experimental studies and prediction algorithms are not available or were not evaluated, and the functional significance of this variant is currently unknown. In summary, the available evidence is currently insufficient to determine the role of this variant in disease. Therefore, it has been classified as a Variant of Uncertain Significance.